The following is an entry in ClinVar:

ClinVar aggregate classification (germline): Likely benign (1 of 4 stars; one submission).

gnomAD v4.1: 584 of 398,536 alleles (0.15%); highest among the groups gnomAD compares: African/African-American, 1%; 1 homozygote.

Submission:

CeGaT Center for Human Genetics Tuebingen
Classification: Likely benign. Last evaluated: 2026-09-01. Review status: criteria provided, single submitter. Criteria: CeGaT Center For Human Genetics Tuebingen Variant Classification Criteria Version 2. Collection method: clinical testing. Allele origin: germline. Affected: yes. Observed: 6 variant alleles.
Comment: KCNQ1OT1: BS1

NM_000218.3(KCNQ1):c.1393+23048A>G

Genes: KCNQ1 (potassium voltage-gated channel subfamily Q member 1; plus strand), KCNQ1OT1 (KCNQ1 opposite strand/antisense transcript 1; minus strand). Cytogenetic location: 11p15.5.
Variant type: single nucleotide variant.
Coding change: c.1393+23048A>G on transcript NM_000218.3 (MANE Select); 23048 bases into the intron after coding-DNA position 1393, A replaced by G.
Molecular consequence: intron variant. On other transcripts: non-coding transcript variant (1).
Genome position (GRCh38, 1-based): chr11:2,611,902, A>G. VCF-style: chr11-2611902-A-G. GRCh37 (hg19) VCF-style: chr11-2633132-A-G.
Other names: c.1123+23048A>G (NM_001406837.1); c.1297+23048A>G (NM_001406836.1); c.853+23048A>G (NM_001406838.1); c.1012+23048A>G (NM_181798.2).
Identifiers: ClinVar variation 3905558 (VCV003905558.10).